The following is an entry in ClinVar:

NM_017999.5(RNF31):c.266C>T (p.Pro89Leu)

Gene: RNF31 (ring finger protein 31; plus strand). Cytogenetic location: 14q12.
Variant type: single nucleotide variant.
Coding change: c.266C>T on transcript NM_017999.5 (MANE Select); coding-DNA position 266, C replaced by T.
Protein change: p.Pro89Leu; replaces proline 89 with leucine.
Molecular consequence: missense variant. On other transcripts: 5 prime UTR variant (1).
Genome position (GRCh38, 1-based): chr14:24,148,049, C>T. VCF-style: chr14-24148049-C-T. GRCh37 (hg19) VCF-style: chr14-24617258-C-T.
Other names: c.-252C>T (NM_001310332.2); short protein forms P89L.
Identifiers: ClinVar variation 2957613 (VCV002957613.3), dbSNP rs201116727, ClinGen allele CA7125403.
Genomic context (GRCh38, chr14:24,148,049, plus strand): 5'-TCAACACCCTGTCCACGGCTCTGAACATCCTGGAGAAATACGGCCGCAACCTTCTCAGCC[C>T]TCAGCGGCCTCGGTACTGGCGTGGTGTCAAGTTTAATAACCCTGTCTTTCGCAGCACGGT-3'
Protein context (NP_060469.4, residues 79-99): LEKYGRNLLS[Pro89Leu]QRPRYWRGVK

ClinVar aggregate classification (germline): Uncertain significance (1 of 4 stars; one submission).

Allele frequency attached by ClinVar (database versions not stated): TOPMed below 0.00001; gnomAD exomes 0.00002; ExAC 0.00005.
gnomAD v4.1: 28 of 1,614,234 alleles (0.0017%); highest among the groups gnomAD compares: South Asian, 0.031%; no homozygotes.

Submission:

Labcorp Genetics (formerly Invitae), Labcorp
Classification: Uncertain significance. Last evaluated: 2023-12-09. Review status: criteria provided, single submitter. Criteria: Invitae Variant Classification Sherloc (09022015). Collection method: clinical testing. Allele origin: germline.
Comment: This sequence change replaces proline, which is neutral and non-polar, with leucine, which is neutral and non-polar, at codon 89 of the RNF31 protein (p.Pro89Leu). This variant is present in population databases (rs201116727, gnomAD 0.04%). This variant has not been reported in the literature in individuals affected with RNF31-related conditions. An algorithm developed to predict the effect of missense changes on protein structure and function (PolyPhen-2) suggests that this variant is likely to be disruptive. In summary, the available evidence is currently insufficient to determine the role of this variant in disease. Therefore, it has been classified as a Variant of Uncertain Significance.